The following is an entry in ClinVar:

ClinVar aggregate classification (germline): Uncertain significance (1 of 4 stars; one submission).

Conditions:
Malignant hyperthermia, susceptibility to, 1 (MHS1). Also called: Anesthesia related hyperthermia; Malignant hyperpyrexia; Fulminating hyperpyrexia; Pharmacogenic myopathy; Malignant hyperthermia suceptibility 1; RYR1-Related Malignant Hyperthermia Susceptibility. Identifiers: Orphanet 423, MedGen C2930980, MONDO:0007783, OMIM 145600.

Submission:

All of Us Research Program, National Institutes of Health
Classification: Uncertain significance for Malignant hyperthermia, susceptibility to, 1. Last evaluated: 2024-03-05. Review status: criteria provided, single submitter. Criteria: ACMG Guidelines, 2015. Collection method: clinical testing. Allele origin: germline. Inheritance: Autosomal dominant inheritance. Observed: 1 variant allele, 1 heterozygote.
Comment: This study involves interpretation of variants in research participants for the purpose of population health screening. Participant phenotype was not available at the time of variant classification. Additional details can be found in publication PMID: 35346344, PMCID: PMC8962531

NM_000540.3(RYR1):c.10488G>T (p.Lys3496Asn)

Gene: RYR1 (ryanodine receptor 1; plus strand). Cytogenetic location: 19q13.2.
Variant type: single nucleotide variant.
Coding change: c.10488G>T on transcript NM_000540.3 (MANE Select); coding-DNA position 10488, G replaced by T.
Protein change: p.Lys3496Asn; replaces lysine 3496 with asparagine.
Molecular consequence: missense variant.
Genome position (GRCh38, 1-based): chr19:38,525,364, G>T. VCF-style: chr19-38525364-G-T. GRCh37 (hg19) VCF-style: chr19-39016004-G-T.
Other names: c.10473G>T, p.Lys3491Asn (NM_001042723.2); short protein forms K3491N, K3496N.
Identifiers: ClinVar variation 3385533 (VCV003385533.1).
Genomic context (GRCh38, chr19:38,525,364, plus strand): 5'-GCTGGTGCTGAGCCCTGTGTCCCCACAGTCCGGTGGCTCGGACCAGGAACGCACCAAGAA[G>T]AAGCGCCGGGGGGACCGGTACTCTGTGCAGACGTCACTGATCGTGGCCACACTGAAGAAG-3'
Protein context (NP_000531.2, residues 3486-3506): SGGSDQERTK[Lys3496Asn]KRRGDRYSVQ